The following is an entry in ClinVar:

NM_001267550.2(TTN):c.54259del (p.Asp18087fs)

Genes: TTN (titin; minus strand), TTN-AS1 (TTN antisense RNA 1; plus strand). Cytogenetic location: 2q31.2.
Variant type: Deletion.
Coding change: c.54259del on transcript NM_001267550.2 (MANE Select); coding-DNA position 54259, one base deleted (G; older notation c.54259delG).
Protein change: p.Asp18087fs; shifts the reading frame from aspartic acid 18087.
Molecular consequence: frameshift variant. On other transcripts: non-coding transcript variant (1).
Genome position (GRCh38, 1-based): chr2:178,604,830, C deleted on the plus strand (G on the coding strand, the reverse complement: TTN is on the minus strand); the first of 3 consecutive C bases (chr2:178,604,830-178,604,832); deleting any one gives the same sequence. VCF-style (leftmost placement, unchanged base first): chr2-178604829-TC-T. GRCh37 (hg19) VCF-style: chr2-179469556-TC-T.
Other names: c.49336del, p.Asp16446fs (NM_001256850.1); c.27064del, p.Asp9022fs (NM_003319.4); c.46555del, p.Asp15519fs (NM_133378.4); c.27439del, p.Asp9147fs (NM_133432.3); c.27640del, p.Asp9214fs (NM_133437.4); c.27064delG (NM_003319.4); short protein forms D9022fs, D16446fs, D9147fs, D9214fs, D15519fs, D18087fs.
Identifiers: ClinVar variation 1794976 (VCV001794976.2), dbSNP rs2470159760, ClinGen allele CA2580064912.

ClinVar aggregate classification (germline): Likely pathogenic (1 of 4 stars; one submission).

Conditions:
Cardiovascular phenotype. Identifiers: MedGen CN230736.

Submission:

Ambry Genetics
Classification: Likely pathogenic for Cardiovascular phenotype. Last evaluated: 2019-09-06. Review status: criteria provided, single submitter. Criteria: Ambry Variant Classification Scheme 2023. Collection method: clinical testing. Allele origin: germline.
Comment: The c.27064delG variant, located in coding exon 108 of the TTN gene, results from a deletion of one nucleotide at nucleotide position 27064, causing a translational frameshift with a predicted alternate stop codon (p.D9022Mfs*36). This exon is located in the A-band region of the N2-B isoform of the titin protein and is constitutively expressed in TTN transcripts (percent spliced in or PSI 100%). This alteration is expected to result in loss of function by premature protein truncation or nonsense-mediated mRNA decay. While truncating variants in TTN are present in 1-3% of the general population, truncating variants in the A-band are the most common cause of dilated cardiomyopathy (DCM) (Herman DS et al. N. Engl. J. Med., 2012 Feb;366:619-28; Roberts AM et al. Sci Transl Med, 2015 Jan;7:270ra6). TTN truncating variants encoded in constitutive exons (PSI >90%) have been found to be significantly associated with DCM regardless of their position in titin (Schafer S et al. Nat. Genet., 2017 01;49:46-53). As such, this alteration is classified as likely pathogenic.